The following is an entry in ClinVar:

NM_000095.3(COMP):c.2230A>T (p.Thr744Ser)

Gene: COMP (cartilage oligomeric matrix protein; minus strand). Cytogenetic location: 19p13.11.
Variant type: single nucleotide variant.
Coding change: c.2230A>T on transcript NM_000095.3 (MANE Select); coding-DNA position 2230, A replaced by T.
Protein change: p.Thr744Ser; replaces threonine 744 with serine.
Molecular consequence: missense variant.
Genome position (GRCh38, 1-based): chr19:18,782,959, T>A on the plus strand (A>T on the coding strand, the complement: COMP is on the minus strand). VCF-style: chr19-18782959-T-A. GRCh37 (hg19) VCF-style: chr19-18893769-T-A.
Other names: short protein forms T744S.
Identifiers: ClinVar variation 3019600 (VCV003019600.4), dbSNP rs2055134781, ClinGen allele CA404874864.

ClinVar aggregate classification (germline): Uncertain significance. Review status: criteria provided, multiple submitters, no conflicts (2 of 4 stars). 2 submissions from 2 submitters: Uncertain significance (2). Last evaluated 2024-07-10.

Allele frequency attached by ClinVar (database versions not stated): TOPMed below 0.00001.
gnomAD v4.1: 1 of 1,612,752 alleles (0.000062%); highest among the groups gnomAD compares: Non-Finnish European, 0.000085%; no homozygotes.

Submissions (2):

Labcorp Genetics (formerly Invitae), Labcorp
Classification: Uncertain significance. Last evaluated: 2024-07-10. Review status: criteria provided, single submitter. Criteria: Invitae Variant Classification Sherloc (09022015). Collection method: clinical testing. Allele origin: germline.
Comment: This sequence change replaces threonine, which is neutral and polar, with serine, which is neutral and polar, at codon 744 of the COMP protein (p.Thr744Ser). This variant is not present in population databases (gnomAD no frequency). This variant has not been reported in the literature in individuals affected with COMP-related conditions. Advanced modeling of protein sequence and biophysical properties (such as structural, functional, and spatial information, amino acid conservation, physicochemical variation, residue mobility, and thermodynamic stability) has been performed at Invitae for this missense variant, however the output from this modeling did not meet the statistical confidence thresholds required to predict the impact of this variant on COMP protein function. In summary, the available evidence is currently insufficient to determine the role of this variant in disease. Therefore, it has been classified as a Variant of Uncertain Significance.

Women's Health and Genetics/Laboratory Corporation of America, LabCorp
Classification: Uncertain significance. Last evaluated: 2024-04-09. Review status: criteria provided, single submitter. Criteria: LabCorp Variant Classification Summary - May 2015. Collection method: clinical testing. Allele origin: germline.
Comment: Variant summary: COMP c.2230A>T (p.Thr744Ser) results in a conservative amino acid change located in the Thrombospondin, C-terminal domain (IPR008859) of the encoded protein sequence. Three of five in-silico tools predict a benign effect of the variant on protein function. Consensus agreement among computation tools predict no significant impact on normal splicing. However, these predictions have yet to be confirmed by functional studies. The variant was absent in 249988 control chromosomes. The available data on variant occurrences in the general population are insufficient to allow any conclusion about variant significance. To our knowledge, no occurrence of c.2230A>T in individuals affected with COMP-Related Disorders and no experimental evidence demonstrating its impact on protein function have been reported. ClinVar contains an entry for this variant (Variation ID: 3019600). Based on the evidence outlined above, the variant was classified as uncertain significance.